The following is an entry in ClinVar:

NM_006348.5(COG5):c.2473A>C (p.Met825Leu)

Gene: COG5 (component of oligomeric golgi complex 5; minus strand). Cytogenetic location: 7q22.3.
Variant type: single nucleotide variant.
Coding change: c.2473A>C on transcript NM_006348.5 (MANE Select); coding-DNA position 2473, A replaced by C.
Protein change: p.Met825Leu; replaces methionine 825 with leucine.
Molecular consequence: missense variant.
Genome position (GRCh38, 1-based): chr7:107,203,533, T>G on the plus strand (A>C on the coding strand, the complement: COG5 is on the minus strand). VCF-style: chr7-107203533-T-G. GRCh37 (hg19) VCF-style: chr7-106843978-T-G.
Other names: c.2311A>C, p.Met771Leu (NM_001379511.1); c.2299A>C, p.Met767Leu (NM_001379512.1); c.2266A>C, p.Met756Leu (NM_001379513.1); c.2158A>C, p.Met720Leu (NM_001379514.1); c.1903A>C, p.Met635Leu (NM_001379515.1); c.1759A>C, p.Met587Leu (NM_001379516.1); c.2410A>C, p.Met804Leu (NM_181733.4); short protein forms M756L, M635L, M804L, M767L, M825L, M587L, M720L, M771L.
Identifiers: ClinVar variation 1506490 (VCV001506490.6), dbSNP rs2116084157, ClinGen allele CA368837908.

ClinVar aggregate classification (germline): Uncertain significance (1 of 4 stars; one submission).

Conditions:
COG5-congenital disorder of glycosylation. Also called: CDG IIi; CONGENITAL DISORDER OF GLYCOSYLATION, TYPE IIi; COG5-CDG. Identifiers: Orphanet 263487, MedGen C3150876, MONDO:0013325, OMIM 613612.

Submission:

Labcorp Genetics (formerly Invitae), Labcorp
Classification: Uncertain significance for COG5-congenital disorder of glycosylation. Last evaluated: 2025-06-23. Review status: criteria provided, single submitter. Criteria: Invitae Variant Classification Sherloc (09022015). Collection method: clinical testing. Allele origin: germline.
Comment: This sequence change replaces methionine, which is neutral and non-polar, with leucine, which is neutral and non-polar, at codon 856 of the COG5 protein (p.Met856Leu). This variant is not present in population databases (gnomAD no frequency). This variant has not been reported in the literature in individuals affected with COG5-related conditions. ClinVar contains an entry for this variant (Variation ID: 1506490). An algorithm developed to predict the effect of missense changes on protein structure and function outputs the following: PolyPhen-2: "Benign". The leucine amino acid residue is found in multiple mammalian species, which suggests that this missense change does not adversely affect protein function. In summary, the available evidence is currently insufficient to determine the role of this variant in disease. Therefore, it has been classified as a Variant of Uncertain Significance.